The following is an entry in ClinVar:

ClinVar aggregate classification (germline): Conflicting classifications of pathogenicity. Review status: criteria provided, conflicting classifications (1 of 4 stars). 4 submissions from 4 submitters: Uncertain significance (3); Likely benign (1). Last evaluated 2025-05-16.

Conditions:
Cardiovascular phenotype. Identifiers: MedGen CN230736.
Brittle cornea syndrome 1 (BCS1). Also called: DYSGENESIS MESODERMALIS CORNEAE ET SCLERAE; CORNEAL FRAGILITY, KERATOGLOBUS, BLUE SCLERAE, JOINT HYPEREXTENSIBILITY; EDS6B; FRAGILITAS OCULI WITH JOINT HYPEREXTENSIBILITY; Corneal fragility keratoglobus, blue sclerae AND joint hypermobility. Identifiers: Orphanet 90354, MedGen C0268344, MONDO:0024543, OMIM 229200.

Allele frequency attached by ClinVar (database versions not stated): gnomAD 0.00001; TOPMed 0.00001; gnomAD exomes 0.00004 and 0.00006; ExAC 0.00009.
gnomAD v4.1: 81 of 1,493,870 alleles (0.0054%); highest among the groups gnomAD compares: Non-Finnish European, 0.0065%; no homozygotes.

Submissions (4):

GeneDx
Classification: Uncertain significance. Last evaluated: 2025-05-16. Review status: criteria provided, single submitter. Criteria: GeneDx Variant Classification Process June 2021. Collection method: clinical testing. Allele origin: germline.
Comment: Not observed at significant frequency in large population cohorts (gnomAD); Has not been previously published as pathogenic or benign to our knowledge; In silico analysis is inconclusive as to whether the variant alters gene splicing. In the absence of RNA/functional studies, the actual effect of this sequence change is unknown.

Women's Health and Genetics/Laboratory Corporation of America, LabCorp
Classification: Likely benign. Last evaluated: 2025-03-18. Review status: criteria provided, single submitter. Criteria: LabCorp Variant Classification Summary - May 2015. Collection method: clinical testing. Allele origin: germline.

Ambry Genetics
Classification: Uncertain significance for Cardiovascular phenotype. Last evaluated: 2024-08-29. Review status: criteria provided, single submitter. Criteria: Ambry Variant Classification Scheme 2023. Collection method: clinical testing. Allele origin: germline.
Comment: The c.3179+4C>T intronic variant results from a C to T substitution 4 nucleotides after coding exon 1 in the ZNF469 gene. This nucleotide position is poorly conserved in available vertebrate species. In silico splice site analysis predicts that this alteration will not have any significant effect on splicing. Based on the available evidence, the clinical significance of this variant remains unclear.

Illumina Laboratory Services, Illumina
Classification: Uncertain significance for Brittle cornea syndrome 1. Last evaluated: 2018-01-12. Review status: criteria provided, single submitter. Criteria: ICSL Variant Classification Criteria 13 December 2019. Collection method: clinical testing. Allele origin: germline.

NM_001367624.2(ZNF469):c.3183C>T (p.Arg1061=)

Genes: ZNF469 (zinc finger protein 469; plus strand), LOC130059718 (ATAC-STARR-seq lymphoblastoid silent region 7847; plus strand). Cytogenetic location: 16q24.2.
Variant type: single nucleotide variant.
Coding change: c.3183C>T on transcript NM_001367624.2 (MANE Select); coding-DNA position 3183, C replaced by T.
Protein change: p.Arg1061=; no amino-acid change (arginine 1061 retained).
Molecular consequence: synonymous variant.
Genome position (GRCh38, 1-based): chr16:88,430,653, C>T. VCF-style: chr16-88430653-C-T. GRCh37 (hg19) VCF-style: chr16-88497061-C-T.
Other names: NM_001127464.1:c.3179+4C>T.
Identifiers: ClinVar variation 320903 (VCV000320903.11), dbSNP rs756703220, ClinGen allele CA8224832.